The following is an entry in ClinVar:

ClinVar aggregate classification (germline): Uncertain significance. Review status: criteria provided, multiple submitters, no conflicts (2 of 4 stars). 2 submissions from 2 submitters: Uncertain significance (2). Last evaluated 2025-07-25.

gnomAD v4.1: 3 of 1,614,192 alleles (0.00019%); highest among the groups gnomAD compares: Non-Finnish European, 0.00025%; no homozygotes.

Submissions (2):

GeneDx
Classification: Uncertain significance. Last evaluated: 2025-07-25. Review status: criteria provided, single submitter. Criteria: GeneDx Variant Classification Process June 2021. Collection method: clinical testing. Allele origin: germline. Affected: yes.
Comment: Not observed at significant frequency in large population cohorts (gnomAD); In silico analysis supports a deleterious effect on splicing; Has not been previously published as pathogenic or benign to our knowledge

Labcorp Genetics (formerly Invitae), Labcorp
Classification: Uncertain significance. Last evaluated: 2022-08-12. Review status: criteria provided, single submitter. Criteria: Invitae Variant Classification Sherloc (09022015). Collection method: clinical testing. Allele origin: germline.
Comment: This sequence change falls in intron 3 of the CD40 gene. It does not directly change the encoded amino acid sequence of the CD40 protein. It affects a nucleotide within the consensus splice site. This variant is not present in population databases (gnomAD no frequency). This variant has not been reported in the literature in individuals affected with CD40-related conditions. Variants that disrupt the consensus splice site are a relatively common cause of aberrant splicing (PMID: 17576681, 9536098). Algorithms developed to predict the effect of sequence changes on RNA splicing suggest that this variant may disrupt the consensus splice site. In summary, the available evidence is currently insufficient to determine the role of this variant in disease. Therefore, it has been classified as a Variant of Uncertain Significance.

Literature cited by the submitters: PubMed 17576681 (cited by Labcorp Genetics (formerly Invitae), Labcorp); PubMed 9536098 (cited by Labcorp Genetics (formerly Invitae), Labcorp).

NM_001250.6(CD40):c.256+5G>A

Gene: CD40 (CD40 molecule; plus strand). Cytogenetic location: 20q13.12.
Variant type: single nucleotide variant.
Coding change: c.256+5G>A on transcript NM_001250.6 (MANE Select); 5 bases into the intron after coding-DNA position 256, G replaced by A.
Molecular consequence: intron variant.
Genome position (GRCh38, 1-based): chr20:46,122,363, G>A. VCF-style: chr20-46122363-G-A. GRCh37 (hg19) VCF-style: chr20-44751002-G-A.
Other names: c.256+5G>A (NM_001302753.2, NM_001322421.2, NM_001362758.2 and 2 more transcripts).
Identifiers: ClinVar variation 2023728 (VCV002023728.2), dbSNP rs2515708666, ClinGen allele CA2580098239.
Genomic context (GRCh38, chr20:46,122,363, plus strand): 5'-CCTAGACACCTGGAACAGAGAGACACACTGCCACCAGCACAAATACTGCGACCCCAGTGC[G>A]TGCGCTGTTGGGAAAGGGACGCTTGGGAACCGGGCTGATATTCCCGACAATGCAGCCATT-3'